The following is an entry in ClinVar:

ClinVar aggregate classification (germline): Uncertain significance (1 of 4 stars; one submission).

Submission:

Labcorp Genetics (formerly Invitae), Labcorp
Classification: Uncertain significance. Last evaluated: 2022-08-09. Review status: criteria provided, single submitter. Criteria: Invitae Variant Classification Sherloc (09022015). Collection method: clinical testing. Allele origin: germline.
Comment: This variant has not been reported in the literature in individuals affected with TBCK-related conditions. Algorithms developed to predict the effect of missense changes on protein structure and function are either unavailable or do not agree on the potential impact of this missense change (SIFT: "Deleterious"; PolyPhen-2: "Probably Damaging"; Align-GVGD: "Class C15"). ClinVar contains an entry for this variant (Variation ID: 1469365). In summary, the available evidence is currently insufficient to determine the role of this variant in disease. Therefore, it has been classified as a Variant of Uncertain Significance. This variant is not present in population databases (gnomAD no frequency). This sequence change replaces aspartic acid, which is acidic and polar, with valine, which is neutral and non-polar, at codon 58 of the TBCK protein (p.Asp58Val).

NM_001163435.3(TBCK):c.173A>T (p.Asp58Val)

Gene: TBCK (TBC1 domain containing kinase; minus strand). Cytogenetic location: 4q24.
Variant type: single nucleotide variant.
Coding change: c.173A>T on transcript NM_001163435.3 (MANE Select); coding-DNA position 173, A replaced by T.
Protein change: p.Asp58Val; replaces aspartic acid 58 with valine.
Molecular consequence: missense variant. On other transcripts: 5 prime UTR variant (1).
Genome position (GRCh38, 1-based): chr4:106,308,788, T>A on the plus strand (A>T on the coding strand, the complement: TBCK is on the minus strand). VCF-style: chr4-106308788-T-A. GRCh37 (hg19) VCF-style: chr4-107229945-T-A.
Other names: c.173A>T, p.Asp58Val (NM_001163436.4, NM_001163437.3, NM_033115.5); c.-445A>T (NM_001290768.2); short protein forms D58V.
Identifiers: ClinVar variation 1469365 (VCV001469365.6), dbSNP rs149301802, ClinGen allele CA357973927.